The following is an entry in ClinVar:

ClinVar aggregate classification (germline): Likely benign. Review status: criteria provided, single submitter (1 of 4 stars). 2 submissions from 2 submitters: Likely benign (1). 1 of the submissions does not count toward it. Last evaluated 2025-07-23.

Conditions:
RELB-related disorder. Also called: RELB-related condition.

Allele frequency attached by ClinVar (database versions not stated): gnomAD exomes 0.00004 and 0.00008; ExAC 0.00006; TOPMed 0.00024; gnomAD 0.00028 and 0.00031; ESP Exome Variant Server 0.00040.
gnomAD v4.1: 106 of 1,613,376 alleles (0.0066%); highest among the groups gnomAD compares: African/African-American, 0.084%; no homozygotes.

Submissions (2):

Labcorp Genetics (formerly Invitae), Labcorp
Classification: Likely benign. Last evaluated: 2025-07-23. Review status: criteria provided, single submitter. Criteria: Invitae Variant Classification Sherloc (09022015). Collection method: clinical testing. Allele origin: germline.

PreventionGenetics, part of Exact Sciences
Classification: Likely benign for RELB-related condition. Last evaluated: 2019-04-10. Review status: no assertion criteria provided. Collection method: clinical testing. Allele origin: germline. Not counted in ClinVar's aggregate classification.
Comment: This variant is classified as likely benign based on ACMG/AMP sequence variant interpretation guidelines (Richards et al. 2015 PMID: 25741868, with internal and published modifications).

NM_006509.4(RELB):c.1473C>T (p.Tyr491=)

Gene: RELB (RELB proto-oncogene, NF-kB subunit; plus strand). Cytogenetic location: 19q13.32.
Variant type: single nucleotide variant.
Coding change: c.1473C>T on transcript NM_006509.4 (MANE Select); coding-DNA position 1473, C replaced by T.
Protein change: p.Tyr491=; no amino-acid change (tyrosine 491 retained).
Molecular consequence: synonymous variant.
Genome position (GRCh38, 1-based): chr19:45,037,523, C>T. VCF-style: chr19-45037523-C-T. GRCh37 (hg19) VCF-style: chr19-45540781-C-T.
Other names: c.1473C>T (NM_006509.3).
Identifiers: ClinVar variation 1574039 (VCV001574039.10), dbSNP rs371174510, ClinGen allele CA9507880.